The following is an entry in ClinVar:

ClinVar aggregate classification (germline): Uncertain significance (1 of 4 stars; one submission).

Conditions:
Spondyloepimetaphyseal dysplasia, Isidor-Toutain type. Identifiers: MedGen C5231478, MONDO:0032885, OMIM 618728.

Submission:

Neuberg Centre For Genomic Medicine, NCGM
Classification: Uncertain significance for Spondyloepimetaphyseal dysplasia, Isidor-Toutain type. Last evaluated: 2023-06-22. Review status: criteria provided, single submitter. Criteria: ACMG Guidelines, 2015. Collection method: clinical testing. Allele origin: germline. Inheritance: Autosomal dominant inheritance. Affected: yes.
Comment: The missense variant c.538G>T (p.Ala180Ser) in the RPL13 gene has not been reported previously as a pathogenic variant nor as a benign variant, to our knowledge. This variant is absent in the gnomAD Exomes. The amino acid Ala at position 180 is changed to a Ser changing protein sequence and it might alter its composition and physico-chemical properties. Computational evidence (Polyphen, SIFT and MutationTaster) predicts conflicting evidence on protein structure and function for this variant. The amino acid change p.Ala180Ser in RPL13 is predicted as conserved by GERP++ and PhyloP across 100 vertebrates. For these reasons, this variant has been classified as Uncertain Significance.

NM_000977.4(RPL13):c.538G>T (p.Ala180Ser)

Gene: RPL13 (ribosomal protein L13; plus strand). Cytogenetic location: 16q24.3.
Variant type: single nucleotide variant.
Coding change: c.538G>T on transcript NM_000977.4 (MANE Select); coding-DNA position 538, G replaced by T.
Protein change: p.Ala180Ser; replaces alanine 180 with serine.
Molecular consequence: missense variant.
Genome position (GRCh38, 1-based): chr16:89,562,944, G>T. VCF-style: chr16-89562944-G-T. GRCh37 (hg19) VCF-style: chr16-89629352-G-T.
Other names: c.397G>T, p.Ala133Ser (NM_001243131.1); c.538G>T, p.Ala180Ser (NM_033251.2); short protein forms A133S, A180S.
Identifiers: ClinVar variation 3731329 (VCV003731329.1).